The following is an entry in ClinVar:

ClinVar aggregate classification (germline): Benign/Likely benign (0 of 4 stars; one submission).

Submission:

GeneDx
Classification: Benign/Likely benign. Last evaluated: 2011-04-30. Review status: no assertion criteria provided. Collection method: clinical testing. Allele origin: not provided. Affected: yes. Observed: 13 variant alleles. Clinical features observed: Developmental delay AND/OR other significant developmental or morphological phenotypes.
Comment: Likely benign (6), Benign (7)

GRCh38/hg38 16q24.3(chr16:89582242-89635475)x3

Genes: CPNE7 (copine 7; plus strand), DPEP1 (dipeptidase 1; plus strand), LOC132090443 (Neanderthal introgressed variant-containing enhancer experimental_46531; plus strand). Cytogenetic location: 16q24.3.
Variant type: copy number gain.
Change: copy number 3 (three copies instead of two) of chr16:89,582,242-89,635,475 (53.2 kb, GRCh38 coordinates, 1-based), cytogenetic band 16q24.3.
Identifiers: ClinVar variation 152584 (VCV000152584.1).